The following is an entry in ClinVar:

NM_000548.5(TSC2):c.666G>A (p.Leu222=)

Gene: TSC2 (TSC complex subunit 2; plus strand). Cytogenetic location: 16p13.3.
Variant type: single nucleotide variant.
Coding change: c.666G>A on transcript NM_000548.5 (MANE Select); coding-DNA position 666, G replaced by A.
Protein change: p.Leu222=; no amino-acid change (leucine 222 retained).
Molecular consequence: synonymous variant.
Genome position (GRCh38, 1-based): chr16:2,056,661, G>A. VCF-style: chr16-2056661-G-A. GRCh37 (hg19) VCF-style: chr16-2106662-G-A.
Other names: c.666G>A, p.Leu222= (NM_001077183.3, NM_001114382.3, NM_001363528.2 and 3 more transcripts); c.555G>A, p.Leu185= (NM_001318827.2); c.519G>A, p.Leu173= (NM_001318829.2); c.66G>A, p.Leu22= (NM_001318831.2); c.699G>A, p.Leu233= (NM_001318832.2).
Identifiers: ClinVar variation 755023 (VCV000755023.12), dbSNP rs761351907, ClinGen allele CA056087.
Genomic context (GRCh38, chr16:2,056,661, plus strand): 5'-GAGCTGGGGTAGGACGGGCGTGAGCCGTCTCCCTCTCCACCAGGTCTCCCTGCAGGTGCT[G>A]GACGCCGTGGTCTGCTACAACTGCCTGCCGGCTGAGAGCCTCCCGCTGTTCATCGTTACC-3'
Protein context (NP_000539.2, residues 212-232): SVDIEVSLQV[Leu222=]DAVVCYNCLP

ClinVar aggregate classification (germline): Benign/Likely benign. Review status: criteria provided, multiple submitters, no conflicts (2 of 4 stars). 3 submissions from 3 submitters: Benign (1); Likely benign (2). Last evaluated 2025-05-08.

Conditions:
Hereditary cancer-predisposing syndrome. Also called: Tumor predisposition; Hereditary Cancer Syndrome; Neoplastic Syndromes, Hereditary; Hereditary neoplastic syndrome. Identifiers: Orphanet 140162, MedGen C0027672, MeSH D009386, MONDO:0015356.
Tuberous sclerosis 2 (TSC2). Identifiers: Orphanet 805, MedGen C1860707, MONDO:0013199, OMIM 613254.

Allele frequency attached by ClinVar (database versions not stated): gnomAD exomes below 0.00001 and 0.00001; ExAC 0.00001.
gnomAD v4.1: 2 of 1,611,590 alleles (0.00012%); highest among the groups gnomAD compares: Admixed American, 0.0017%; no homozygotes.

Submissions (3):

Myriad Genetics, Inc.
Classification: Benign for Tuberous sclerosis 2. Last evaluated: 2025-05-08. Review status: criteria provided, single submitter. Criteria: Myriad Autosomal Dominant, Autosomal Recessive and X-Linked Classification Criteria (2023). Collection method: clinical testing. Allele origin: unknown.
Comment: This variant is considered benign. This variant is a silent/synonymous amino acid change and it is not expected to impact splicing.

Labcorp Genetics (formerly Invitae), Labcorp
Classification: Likely benign for Tuberous sclerosis 2. Last evaluated: 2025-03-13. Review status: criteria provided, single submitter. Criteria: Invitae Variant Classification Sherloc (09022015). Collection method: clinical testing. Allele origin: germline.

Ambry Genetics
Classification: Likely benign for Hereditary cancer-predisposing syndrome. Last evaluated: 2023-02-05. Review status: criteria provided, single submitter. Criteria: Ambry Variant Classification Scheme 2023. Collection method: clinical testing. Allele origin: germline.